The following is an entry in ClinVar:

NM_001042492.3(NF1):c.882_885del (p.Met294fs)

Gene: NF1 (neurofibromin 1; plus strand). Cytogenetic location: 17q11.2.
Variant type: Deletion.
Coding change: c.882_885del on transcript NM_001042492.3 (MANE Select); coding-DNA positions 882 to 885, 4 bases deleted (GAAT; older notation c.882_885delGAAT).
Protein change: p.Met294fs; shifts the reading frame from methionine 294.
Molecular consequence: frameshift variant.
Genome position (GRCh38, 1-based): chr17:31,182,659-31,182,662, GAAT deleted; deleting any 4 consecutive bases within chr17:31,182,657-31,182,662 gives the same sequence; the c. name uses the placement nearest the transcript's 3' end. VCF-style (leftmost placement, unchanged base first): chr17-31182656-CATGA-C. GRCh37 (hg19) VCF-style: chr17-29509674-CATGA-C.
Other names: c.882_885delGAAT (NM_000267.3); c.882_885del, p.Met294fs (NM_001128147.3); c.882_885delGAAT, p.Met294Ilefs (NM_000267.4); short protein forms M294fs.
Identifiers: ClinVar variation 581086 (VCV000581086.5), dbSNP rs1567826819, ClinGen allele CA891843780.

ClinVar aggregate classification (germline): Pathogenic (1 of 4 stars; one submission).

Conditions:
Neurofibromatosis, type 1 (NF1). Also called: Peripheral type neurofibromatosis; Neurofibromatosis, type I; VON RECKLINGHAUSEN DISEASE; NEUROFIBROMATOSIS, TYPE I, SOMATIC. Identifiers: Orphanet 636, MedGen C0027831, MONDO:0018975, OMIM 162200. Disease mechanism: loss of function.

Submission:

Labcorp Genetics (formerly Invitae), Labcorp
Classification: Pathogenic for Neurofibromatosis, type 1. Last evaluated: 2022-08-03. Review status: criteria provided, single submitter. Criteria: Invitae Variant Classification Sherloc (09022015). Collection method: clinical testing. Allele origin: germline.
Comment: This sequence change creates a premature translational stop signal (p.Met294Ilefs*22) in the NF1 gene. It is expected to result in an absent or disrupted protein product. Loss-of-function variants in NF1 are known to be pathogenic (PMID: 10712197, 23913538). For these reasons, this variant has been classified as Pathogenic. ClinVar contains an entry for this variant (Variation ID: 581086). This variant has not been reported in the literature in individuals affected with NF1-related conditions. This variant is not present in population databases (gnomAD no frequency).

Literature cited by the submitters: PubMed 10712197; PubMed 23913538.